The following is an entry in ClinVar:

NC_000006.11:g.(?_3085473)_(3104569_?)del

Gene: RIPK1 (receptor interacting serine/threonine kinase 1; plus strand). Cytogenetic location: 6p25.2.
Variant type: Deletion.
Identifiers: ClinVar variation 2424765 (VCV002424765.4).

ClinVar aggregate classification (germline): Uncertain significance (1 of 4 stars; one submission).

Submission:

Labcorp Genetics (formerly Invitae), Labcorp
Classification: Uncertain significance. Last evaluated: 2022-01-04. Review status: criteria provided, single submitter. Criteria: Invitae Variant Classification Sherloc (09022015). Collection method: clinical testing. Allele origin: germline.
Comment: In summary, the available evidence is currently insufficient to determine the role of this variant in disease. Therefore, it has been classified as a Variant of Uncertain Significance. Experimental studies and prediction algorithms are not available or were not evaluated, and the functional significance of this variant is currently unknown. This variant has not been reported in the literature in individuals affected with RIPK1-related conditions. This variant is a gross deletion of the genomic region encompassing exon(s) 6-8 of the RIPK1 gene. This variant would be expected to be in-frame, preserving the integrity of the reading frame.